The following is an entry in ClinVar:

NM_001374736.1(DST):c.12322A>G (p.Met4108Val)

Genes: DST (dystonin; minus strand), LOC129996656 (ATAC-STARR-seq lymphoblastoid active region 24702; plus strand). Cytogenetic location: 6p12.1.
Variant type: single nucleotide variant.
Coding change: c.12322A>G on transcript NM_001374736.1 (MANE Select); coding-DNA position 12322, A replaced by G.
Protein change: p.Met4108Val; replaces methionine 4108 with valine.
Molecular consequence: missense variant.
Genome position (GRCh38, 1-based): chr6:56,594,067, T>C on the plus strand (A>G on the coding strand, the complement: DST is on the minus strand). VCF-style: chr6-56594067-T-C. GRCh37 (hg19) VCF-style: chr6-56458865-T-C.
Other names: c.5965A>G, p.Met1989Val (NM_001144769.5); c.5551A>G, p.Met1851Val (NM_001144770.2); c.12322A>G, p.Met4108Val (NM_001374722.1); c.11689A>G, p.Met3897Val (NM_001374729.1); c.5431A>G, p.Met1811Val (NM_001374730.1, NM_001386100.1, NM_183380.4); c.12349A>G, p.Met4117Val (NM_001374734.1); c.4453A>G, p.Met1485Val (NM_015548.5); short protein forms M1485V, M1811V, M1851V, M1989V, M3897V, M4108V, M4117V.
Identifiers: ClinVar variation 1025765 (VCV001025765.8), dbSNP rs1272703082, ClinGen allele CA364526757.

ClinVar aggregate classification (germline): Uncertain significance (1 of 4 stars; one submission).

Conditions:
Hereditary sensory and autonomic neuropathy type 6. Also called: HSAN VI; Neuropathy, hereditary sensory and autonomic, type VI. Identifiers: Orphanet 314381, MedGen C3539003, MONDO:0013839, OMIM 614653.
Epidermolysis bullosa simplex 3, localized or generalized intermediate, with BP230 deficiency (EBS3). Also called: Epidermolysis bullosa simplex, autosomal recessive 2; Epidermolysis bullosa simplex due to BP230 deficiency. Identifiers: Orphanet 412181, MedGen C3809470, MONDO:0014180, OMIM 615425.

Allele frequency attached by ClinVar (database versions not stated): gnomAD exomes 0.00001; TOPMed 0.00001.
gnomAD v4.1: 6 of 1,612,830 alleles (0.00037%); highest among the groups gnomAD compares: East Asian, 0.0022%; no homozygotes.

Submission:

Labcorp Genetics (formerly Invitae), Labcorp
Classification: Uncertain significance for Epidermolysis bullosa simplex 3, localized or generalized intermediate, with BP230 deficiency; Hereditary sensory and autonomic neuropathy type 6. Last evaluated: 2022-06-13. Review status: criteria provided, single submitter. Criteria: Invitae Variant Classification Sherloc (09022015). Collection method: clinical testing. Allele origin: germline.
Comment: The DST gene has multiple clinically relevant transcripts. This variant occurs in alternate transcript NM_015548.4, and corresponds to NM_001723.5:c.*21450A>G in the primary transcript. This sequence change replaces methionine, which is neutral and non-polar, with valine, which is neutral and non-polar, at codon 1485 of the DST protein (p.Met1485Val). This variant is present in population databases (no rsID available, gnomAD 0.006%). This variant has not been reported in the literature in individuals affected with DST-related conditions. Experimental studies and prediction algorithms are not available or were not evaluated, and the functional significance of this variant is currently unknown. In summary, the available evidence is currently insufficient to determine the role of this variant in disease. Therefore, it has been classified as a Variant of Uncertain Significance.